The following is an entry in ClinVar:

ClinVar aggregate classification (germline): Uncertain significance. Review status: criteria provided, multiple submitters, no conflicts (2 of 4 stars). 2 submissions from 2 submitters: Uncertain significance (2). Last evaluated 2024-02-22.

Allele frequency attached by ClinVar (database versions not stated): gnomAD exomes below 0.00001; TOPMed below 0.00001.
gnomAD v4.1: 1 of 1,614,208 alleles (0.000062%); highest among the groups gnomAD compares: African/African-American, 0.0013%; no homozygotes.

Submissions (2):

GeneDx
Classification: Uncertain significance. Last evaluated: 2024-02-22. Review status: criteria provided, single submitter. Criteria: GeneDx Variant Classification Process June 2021. Collection method: clinical testing. Allele origin: germline. Affected: yes.
Comment: Not observed at significant frequency in large population cohorts (gnomAD); In silico analysis supports that this missense variant does not alter protein structure/function; Has not been previously published as pathogenic or benign to our knowledge

Labcorp Genetics (formerly Invitae), Labcorp
Classification: Uncertain significance. Last evaluated: 2022-04-24. Review status: criteria provided, single submitter. Criteria: Invitae Variant Classification Sherloc (09022015). Collection method: clinical testing. Allele origin: germline.
Comment: In summary, the available evidence is currently insufficient to determine the role of this variant in disease. Therefore, it has been classified as a Variant of Uncertain Significance. Algorithms developed to predict the effect of missense changes on protein structure and function are either unavailable or do not agree on the potential impact of this missense change (SIFT: "Deleterious"; PolyPhen-2: "Probably Damaging"; Align-GVGD: "Class C0"). This variant has not been reported in the literature in individuals affected with CACNA1D-related conditions. This variant is not present in population databases (gnomAD no frequency). This sequence change replaces alanine, which is neutral and non-polar, with valine, which is neutral and non-polar, at codon 60 of the CACNA1D protein (p.Ala60Val).

NM_001128840.3(CACNA1D):c.179C>T (p.Ala60Val)

Gene: CACNA1D (calcium voltage-gated channel subunit alpha1 D; plus strand). Cytogenetic location: 3p21.1.
Variant type: single nucleotide variant.
Coding change: c.179C>T on transcript NM_001128840.3 (MANE Select); coding-DNA position 179, C replaced by T.
Protein change: p.Ala60Val; replaces alanine 60 with valine.
Molecular consequence: missense variant.
Genome position (GRCh38, 1-based): chr3:53,497,263, C>T. VCF-style: chr3-53497263-C-T. GRCh37 (hg19) VCF-style: chr3-53531290-C-T.
Other names: c.179C>T, p.Ala60Val (NM_000720.4, NM_001128839.3); c.179C>T (NM_000720.2); short protein forms A60V.
Identifiers: ClinVar variation 2129944 (VCV002129944.5), dbSNP rs2090391448, ClinGen allele CA353381910.